The following is an entry in ClinVar:

ClinVar aggregate classification (germline): Uncertain significance. Review status: criteria provided, multiple submitters, no conflicts (2 of 4 stars). 3 submissions from 3 submitters: Uncertain significance (3). Last evaluated 2024-11-13.

Conditions:
Myofibrillar myopathy 4. Also called: Zaspopathy (type). Identifiers: Orphanet 98912, MedGen C4721886, MONDO:0012277, OMIM 609452.
Dilated cardiomyopathy 1C (CMD1C). Also called: Cardiomyopathy, dilated, 1C, with or without LVNC; CARDIOMYOPATHY, DILATED, 1C, WITH OR WITHOUT LEFT VENTRICULAR NONCOMPACTION. Identifiers: Orphanet 154, Orphanet 54260, MedGen C1832244, MONDO:0011094, OMIM 601493.
Cardiovascular phenotype. Identifiers: MedGen CN230736.

gnomAD v4.1: 8 of 1,613,280 alleles (0.0005%); highest among the groups gnomAD compares: African/African-American, 0.0013%; no homozygotes.

Submissions (3):

Ambry Genetics
Classification: Uncertain significance for Cardiovascular phenotype. Last evaluated: 2024-11-13. Review status: criteria provided, single submitter. Criteria: Ambry Variant Classification Scheme 2023. Collection method: clinical testing. Allele origin: germline.
Comment: The p.A482G variant (also known as c.1445C>G), located in coding exon 9 of the LDB3 gene, results from a C to G substitution at nucleotide position 1445. The alanine at codon 482 is replaced by glycine, an amino acid with similar properties. This amino acid position is conserved. In addition, this alteration is predicted to be tolerated by in silico analysis. Based on the available evidence, the clinical significance of this variant remains unclear.

Labcorp Genetics (formerly Invitae), Labcorp
Classification: Uncertain significance for Myofibrillar myopathy 4. Last evaluated: 2023-09-29. Review status: criteria provided, single submitter. Criteria: Invitae Variant Classification Sherloc (09022015). Collection method: clinical testing. Allele origin: germline.
Comment: The LDB3 gene has multiple clinically relevant transcripts. This variant occurs in alternate transcript NM_007078.3, and corresponds to NM_001080116.1:c.*17166C>G in the primary transcript. This sequence change replaces alanine, which is neutral and non-polar, with glycine, which is neutral and non-polar, at codon 482 of the LDB3 protein (p.Ala482Gly). This variant is present in population databases (no rsID available, gnomAD 0.004%). This variant has not been reported in the literature in individuals affected with LDB3-related conditions. Experimental studies and prediction algorithms are not available or were not evaluated, and the functional significance of this variant is currently unknown. In summary, the available evidence is currently insufficient to determine the role of this variant in disease. Therefore, it has been classified as a Variant of Uncertain Significance.

Clinical Genomics Laboratory, Stanford Medicine
Classification: Uncertain significance for Dilated cardiomyopathy 1C; Myofibrillar myopathy 4. Last evaluated: 2022-03-07. Review status: criteria provided, single submitter. Criteria: ACMG Guidelines, 2015. Collection method: clinical testing. Allele origin: germline. Observed: 1 variant allele, 1 heterozygote.
Comment: The p.Ala482Gly variant in the LDB3 gene has not been previously reported in association with disease. The LDB3 gene has multiple clinically relevant transcripts. This variant is also referred to as c.1460C>G (p. Ala487Gly) in NM_001171610.1. This variant has also been identified in 1/24,890 African/African American chromosomes (2/280,302 chromosomes overall) by the Genome Aggregation Database. Although this variant has been seen in the general population, it has been observed at a frequency low enough to be consistent with the prevalence of cardiomyopathy. The alanine at position 482 is poorly evolutionarily conserved and glycine is observed at this position in at least 2 vertebrate species. Computational tools predict that the p.Ala482Gly variant does not impact protein function; however, the accuracy of in silico algorithms is limited. These data were assessed using the ACMG/AMP variant interpretation guidelines. In summary, the significance of the p.Ala482Gly variant is uncertain. Additional information is needed to resolve the significance of this variant. [ACMG evidence codes used: PM2; BP4]

NM_007078.3(LDB3):c.1445C>G (p.Ala482Gly)

Gene: LDB3 (LIM domain binding 3; plus strand). Cytogenetic location: 10q23.2.
Variant type: single nucleotide variant.
Coding change: c.1445C>G on transcript NM_007078.3 (MANE Select); coding-DNA position 1445, C replaced by G.
Protein change: p.Ala482Gly; replaces alanine 482 with glycine.
Molecular consequence: missense variant.
Genome position (GRCh38, 1-based): chr10:86,716,540, C>G. VCF-style: chr10-86716540-C-G. GRCh37 (hg19) VCF-style: chr10-88476297-C-G.
Other names: c.1115C>G, p.Ala372Gly (NM_001080114.2); c.1460C>G, p.Ala487Gly (NM_001171610.2); c.1256C>G, p.Ala419Gly (NM_001368064.1, NM_001368065.1); c.1304C>G, p.Ala435Gly (NM_001368066.1); short protein forms A435G, A482G, A372G, A419G, A487G.
Identifiers: ClinVar variation 2737500 (VCV002737500.5), dbSNP rs774313535, ClinGen allele CA377450727.